The following is an entry in ClinVar:

NM_020778.5(ALPK3):c.4599G>A (p.Arg1533=)

Gene: ALPK3 (alpha kinase 3; plus strand). Cytogenetic location: 15q25.3.
Variant type: single nucleotide variant.
Coding change: c.4599G>A on transcript NM_020778.5 (MANE Select); coding-DNA position 4599, G replaced by A.
Protein change: p.Arg1533=; no amino-acid change (arginine 1533 retained).
Molecular consequence: synonymous variant.
Genome position (GRCh38, 1-based): chr15:84,864,541, G>A. VCF-style: chr15-84864541-G-A. GRCh37 (hg19) VCF-style: chr15-85407772-G-A.
Identifiers: ClinVar variation 1746066 (VCV001746066.8), dbSNP rs370286340, ClinGen allele CA7710035.

ClinVar aggregate classification (germline): Likely benign. Review status: criteria provided, multiple submitters, no conflicts (2 of 4 stars). 3 submissions from 3 submitters: Likely benign (2). 1 of the submissions does not count toward it. Last evaluated 2025-05-14.

Conditions:
Cardiovascular phenotype. Identifiers: MedGen CN230736.
ALPK3-related disorder. Also called: ALPK3-related condition.

Allele frequency attached by ClinVar (database versions not stated): gnomAD exomes 0.00001; ExAC 0.00002; TOPMed 0.00003; gnomAD 0.00004; ESP Exome Variant Server 0.00008; 1000 Genomes Project 30x 0.00016; 1000 Genomes Project 0.00020.
gnomAD v4.1: 29 of 1,614,204 alleles (0.0018%); highest among the groups gnomAD compares: Non-Finnish European, 0.0022%; no homozygotes.

Submissions (3):

Labcorp Genetics (formerly Invitae), Labcorp
Classification: Likely benign. Last evaluated: 2025-05-14. Review status: criteria provided, single submitter. Criteria: Invitae Variant Classification Sherloc (09022015). Collection method: clinical testing. Allele origin: germline.

Ambry Genetics
Classification: Likely benign for Cardiovascular phenotype. Last evaluated: 2019-07-19. Review status: criteria provided, single submitter. Criteria: Ambry Variant Classification Scheme 2023. Collection method: clinical testing. Allele origin: germline.

PreventionGenetics, part of Exact Sciences
Classification: Likely benign for ALPK3-related condition. Last evaluated: 2024-08-22. Review status: no assertion criteria provided. Collection method: clinical testing. Allele origin: germline. Not counted in ClinVar's aggregate classification.
Comment: This variant is classified as likely benign based on ACMG/AMP sequence variant interpretation guidelines (Richards et al. 2015 PMID: 25741868, with internal and published modifications).